The following is an entry in ClinVar:

ClinVar aggregate classification (germline): Uncertain significance (1 of 4 stars; one submission).

Conditions:
Muscular dystrophy-dystroglycanopathy (congenital with brain and eye anomalies), type A9. Also called: WALKER-WARBURG SYNDROME OR MUSCLE-EYE BRAIN DISEASE, DAG1-RELATED; Muscular dystrophy-dystroglycanopathy (congenital with brain and eye anomalies), type a, 9. Identifiers: Orphanet 370997, Orphanet 899, MedGen C4225291, MONDO:0014683, OMIM 616538.
Autosomal recessive limb-girdle muscular dystrophy type 2P. Also called: Limb-Girdle Muscular Dystrophy Type 9C; MUSCULAR DYSTROPHY-DYSTROGLYCANOPATHY, LIMB-GIRDLE, DAG1-RELATED; MUSCULAR DYSTROPHY, LIMB-GIRDLE, TYPE 2P. Identifiers: Orphanet 280333, MedGen C4511963, MONDO:0013440, OMIM 613818.

Allele frequency attached by ClinVar (database versions not stated): ExAC 0.00002.
gnomAD v4.1: 3 of 1,613,110 alleles (0.00019%); highest among the groups gnomAD compares: Admixed American, 0.005%; no homozygotes.

Submission:

Labcorp Genetics (formerly Invitae), Labcorp
Classification: Uncertain significance for Autosomal recessive limb-girdle muscular dystrophy type 2P; Muscular dystrophy-dystroglycanopathy (congenital with brain and eye anomalies), type A9. Last evaluated: 2022-03-01. Review status: criteria provided, single submitter. Criteria: Invitae Variant Classification Sherloc (09022015). Collection method: clinical testing. Allele origin: germline.
Comment: Algorithms developed to predict the effect of missense changes on protein structure and function are either unavailable or do not agree on the potential impact of this missense change (SIFT: "Tolerated"; PolyPhen-2: "Possibly Damaging"; Align-GVGD: "Class C0"). This variant has not been reported in the literature in individuals affected with DAG1-related conditions. This variant is present in population databases (rs758190062, gnomAD 0.006%). This sequence change replaces proline, which is neutral and non-polar, with alanine, which is neutral and non-polar, at codon 363 of the DAG1 protein (p.Pro363Ala). In summary, the available evidence is currently insufficient to determine the role of this variant in disease. Therefore, it has been classified as a Variant of Uncertain Significance.

NM_004393.6(DAG1):c.1087C>G (p.Pro363Ala)

Gene: DAG1 (dystroglycan 1; plus strand). Cytogenetic location: 3p21.31.
Variant type: single nucleotide variant.
Coding change: c.1087C>G on transcript NM_004393.6 (MANE Select); coding-DNA position 1087, C replaced by G.
Protein change: p.Pro363Ala; replaces proline 363 with alanine.
Molecular consequence: missense variant.
Genome position (GRCh38, 1-based): chr3:49,531,598, C>G. VCF-style: chr3-49531598-C-G. GRCh37 (hg19) VCF-style: chr3-49569031-C-G.
Other names: c.1087C>G, p.Pro363Ala (NM_001165928.4, NM_001177634.3, NM_001177635.3 and 9 more transcripts); short protein forms P363A.
Identifiers: ClinVar variation 2143855 (VCV002143855.4), dbSNP rs758190062, ClinGen allele CA2399010.